The following is an entry in ClinVar:

ClinVar aggregate classification (germline): Likely benign (1 of 4 stars; one submission).

Allele frequency attached by ClinVar (database versions not stated): gnomAD 0.00001; gnomAD exomes 0.00002; TOPMed 0.00003; ExAC 0.00002.

Submission:

GeneDx
Classification: Likely benign. Last evaluated: 2017-09-15. Review status: criteria provided, single submitter. Criteria: GeneDx Variant Classification (06012015). Collection method: clinical testing. Allele origin: germline. Affected: yes.
Comment: This variant is considered likely benign or benign based on one or more of the following criteria: it is a conservative change, it occurs at a poorly conserved position in the protein, it is predicted to be benign by multiple in silico algorithms, and/or has population frequency not consistent with disease.

NM_017827.3(SARS2):c.-44C>T

Genes: SARS2 (seryl-tRNA synthetase 2, mitochondrial; minus strand), LOC130064387 (ATAC-STARR-seq lymphoblastoid active region 14604; plus strand). Cytogenetic location: 19q13.2.
Variant type: single nucleotide variant.
Coding change: c.-44C>T on transcript NM_017827.3; 44 bases upstream of the start codon, C replaced by T.
Genome position (GRCh38, 1-based): chr19:38,930,780, G>A on the plus strand (C>T on the coding strand, the complement: SARS2 is on the minus strand). VCF-style: chr19-38930780-G-A. GRCh37 (hg19) VCF-style: chr19-39421420-G-A.
Identifiers: ClinVar variation 511700 (VCV000511700.3), dbSNP rs758938513, ClinGen allele CA9423391.
Genomic context (GRCh38, chr19:38,930,780, plus strand): 5'-GCCATGGACGCAGCCATCTTGGACCGGGAACAAGGCGGCACTTCGTCCCGCCCACTCCGC[G>A]TTTAGACCAATTGCAAGGCAGCGAACCTGACCGTGACGAGCCAATCAGATCCTGAGGAAA-3'